The following is an entry in ClinVar:

ClinVar aggregate classification (germline): Uncertain significance (1 of 4 stars; one submission).

Conditions:
Familial thoracic aortic aneurysm and aortic dissection (TAAD). Also called: Thoracic aortic aneurysms and dissections. Identifiers: Orphanet 91387, MedGen C4707243, MONDO:0019625.

Allele frequency attached by ClinVar (database versions not stated): gnomAD exomes below 0.00001; TOPMed below 0.00001.
gnomAD v4.1: 2 of 1,614,002 alleles (0.00012%); highest among the groups gnomAD compares: East Asian, 0.0045%; no homozygotes.

Submission:

Labcorp Genetics (formerly Invitae), Labcorp
Classification: Uncertain significance for Familial thoracic aortic aneurysm and aortic dissection. Last evaluated: 2023-07-09. Review status: criteria provided, single submitter. Criteria: Invitae Variant Classification Sherloc (09022015). Collection method: clinical testing. Allele origin: germline.
Comment: In summary, the available evidence is currently insufficient to determine the role of this variant in disease. Therefore, it has been classified as a Variant of Uncertain Significance. Advanced modeling of protein sequence and biophysical properties (such as structural, functional, and spatial information, amino acid conservation, physicochemical variation, residue mobility, and thermodynamic stability) performed at Invitae indicates that this missense variant is not expected to disrupt TGFBR2 protein function. This variant has not been reported in the literature in individuals affected with TGFBR2-related conditions. This variant is not present in population databases (gnomAD no frequency). This sequence change replaces lysine, which is basic and polar, with arginine, which is basic and polar, at codon 128 of the TGFBR2 protein (p.Lys128Arg).

NM_003242.6(TGFBR2):c.383A>G (p.Lys128Arg)

Gene: TGFBR2 (transforming growth factor beta receptor 2; plus strand). Cytogenetic location: 3p24.1.
Variant type: single nucleotide variant.
Coding change: c.383A>G on transcript NM_003242.6 (MANE Select); coding-DNA position 383, A replaced by G.
Protein change: p.Lys128Arg; replaces lysine 128 with arginine.
Molecular consequence: missense variant. On other transcripts: intron variant (2).
Genome position (GRCh38, 1-based): chr3:30,650,389, A>G. VCF-style: chr3-30650389-A-G. GRCh37 (hg19) VCF-style: chr3-30691881-A-G.
Other names: c.458A>G, p.Lys153Arg (NM_001024847.3, NM_001407126.1, NM_001407139.1); c.383A>G, p.Lys128Arg (NM_001407127.1, NM_001407130.1); c.410A>G, p.Lys137Arg (NM_001407128.1); c.278A>G, p.Lys93Arg (NM_001407129.1, NM_001407132.1, NM_001407133.1 and 3 more transcripts); c.170-21249A>G (NM_001407137.1); c.95-21249A>G (NM_001407138.1); short protein forms K93R, K153R, K128R, K137R.
Identifiers: ClinVar variation 2868824 (VCV002868824.3), dbSNP rs1698858782, ClinGen allele CA351806968.